The following is an entry in ClinVar:

ClinVar aggregate classification (germline): Pathogenic (1 of 4 stars; one submission).

Submission:

Labcorp Genetics (formerly Invitae), Labcorp
Classification: Pathogenic. Last evaluated: 2024-07-02. Review status: criteria provided, single submitter. Criteria: Invitae Variant Classification Sherloc (09022015). Collection method: clinical testing. Allele origin: germline.
Comment: This sequence change creates a premature translational stop signal (p.Arg128Glnfs*23) in the MSH3 gene. It is expected to result in an absent or disrupted protein product. Loss-of-function variants in MSH3 are known to be pathogenic (PMID: 27476653, 37402566). This variant is not present in population databases (gnomAD no frequency). This variant has not been reported in the literature in individuals affected with MSH3-related conditions. For these reasons, this variant has been classified as Pathogenic.

Literature cited by the submitters: PubMed 27476653; PubMed 37402566.

NM_002439.5(MSH3):c.381dup (p.Arg128fs)

Gene: MSH3 (mutS homolog 3; plus strand). Cytogenetic location: 5q14.1.
Variant type: Duplication.
Coding change: c.381dup on transcript NM_002439.5 (MANE Select); coding-DNA position 381, one base duplicated (C; older notation c.381dupC).
Protein change: p.Arg128fs; shifts the reading frame from arginine 128.
Molecular consequence: frameshift variant.
Genome position (GRCh38, 1-based): chr5:80,665,165, C duplicated; the last of 2 consecutive C bases (chr5:80,665,164-80,665,165); duplicating either gives the same sequence. VCF-style (leftmost placement, unchanged base first): chr5-80665163-A-AC. GRCh37 (hg19) VCF-style: chr5-79960982-A-AC.
Other names: short protein forms R128fs.
Identifiers: ClinVar variation 3658511 (VCV003658511.2).